The following is an entry in ClinVar:

NM_173648.4(CCDC141):c.3571G>A (p.Val1191Ile)

Gene: CCDC141 (coiled-coil domain containing 141; minus strand). Cytogenetic location: 2q31.2.
Variant type: single nucleotide variant.
Coding change: c.3571G>A on transcript NM_173648.4 (MANE Select); coding-DNA position 3571, G replaced by A.
Protein change: p.Val1191Ile; replaces valine 1191 with isoleucine.
Molecular consequence: missense variant.
Genome position (GRCh38, 1-based): chr2:178,837,648, C>T on the plus strand (G>A on the coding strand, the complement: CCDC141 is on the minus strand). VCF-style: chr2-178837648-C-T. GRCh37 (hg19) VCF-style: chr2-179702375-C-T.
Other names: short protein forms V1191I.
Identifiers: ClinVar variation 1512397 (VCV001512397.8), dbSNP rs370699879, ClinGen allele CA2006665.

ClinVar aggregate classification (germline): Uncertain significance. Review status: criteria provided, multiple submitters, no conflicts (2 of 4 stars). 2 submissions from 2 submitters: Uncertain significance (2). Last evaluated 2024-02-02.

Allele frequency attached by ClinVar (database versions not stated): ExAC 0.00005; gnomAD exomes 0.00005 and 0.00014; gnomAD 0.00006 and 0.00007; TOPMed 0.00007; ESP Exome Variant Server 0.00008.
gnomAD v4.1: 95 of 1,613,892 alleles (0.0059%); highest among the groups gnomAD compares: Admixed American, 0.055%; no homozygotes.

Submissions (2):

Labcorp Genetics (formerly Invitae), Labcorp
Classification: Uncertain significance. Last evaluated: 2024-02-02. Review status: criteria provided, single submitter. Criteria: Invitae Variant Classification Sherloc (09022015). Collection method: clinical testing. Allele origin: germline.
Comment: This sequence change replaces valine, which is neutral and non-polar, with isoleucine, which is neutral and non-polar, at codon 1191 of the CCDC141 protein (p.Val1191Ile). This variant is present in population databases (rs370699879, gnomAD 0.08%), and has an allele count higher than expected for a pathogenic variant. This variant has not been reported in the literature in individuals affected with CCDC141-related conditions. ClinVar contains an entry for this variant (Variation ID: 1512397). Algorithms developed to predict the effect of missense changes on protein structure and function output the following: SIFT: "Not Available"; PolyPhen-2: "Benign"; Align-GVGD: "Not Available". The isoleucine amino acid residue is found in multiple mammalian species, which suggests that this missense change does not adversely affect protein function. In summary, the available evidence is currently insufficient to determine the role of this variant in disease. Therefore, it has been classified as a Variant of Uncertain Significance.

Revvity Omics, Revvity
Classification: Uncertain significance. Last evaluated: 2021-11-18. Review status: criteria provided, single submitter. Criteria: ACMG Guidelines, 2015. Collection method: clinical testing. Allele origin: germline.